The following is an entry in ClinVar:

NM_054027.6(ANKH):c.1011G>A (p.Thr337=)

Gene: ANKH (ANKH inorganic pyrophosphate transport regulator; minus strand). Cytogenetic location: 5p15.2.
Variant type: single nucleotide variant.
Coding change: c.1011G>A on transcript NM_054027.6 (MANE Select); coding-DNA position 1011, G replaced by A.
Protein change: p.Thr337=; no amino-acid change (threonine 337 retained).
Molecular consequence: synonymous variant.
Genome position (GRCh38, 1-based): chr5:14,741,827, C>T on the plus strand (G>A on the coding strand, the complement: ANKH is on the minus strand). VCF-style: chr5-14741827-C-T. GRCh37 (hg19) VCF-style: chr5-14741936-C-T.
Identifiers: ClinVar variation 2662114 (VCV002662114.2), dbSNP rs769050521, ClinGen allele CA3208961.

ClinVar aggregate classification (germline): Uncertain significance (1 of 4 stars; one submission).

Allele frequency attached by ClinVar (database versions not stated): ExAC 0.00002; gnomAD exomes 0.00002; gnomAD 0.00003; TOPMed 0.00004.

Submission:

GeneDx
Classification: Uncertain significance. Last evaluated: 2026-07-20. Review status: criteria provided, single submitter. Criteria: GeneDx Variant Classification Process June 2021. Collection method: clinical testing. Allele origin: germline.
Comment: In silico analysis suggests that this variant does not alter splicing; Has not been previously published as pathogenic or benign to our knowledge